The following is an entry in ClinVar:

ClinVar aggregate classification (germline): Uncertain significance. Review status: criteria provided, multiple submitters, no conflicts (2 of 4 stars). 4 submissions from 4 submitters: Uncertain significance (4). Last evaluated 2025-03-04.

Conditions:
Endometrial carcinoma. Also called: Endometrial carcinoma, somatic. Identifiers: MedGen C0476089, MONDO:0002447, OMIM 608089, HP:0012114.
Colorectal cancer. Also called: Malignant Colorectal Neoplasm; Colorectal cancer, somatic. Identifiers: MedGen C0346629, MONDO:0005575, OMIM 114500.
Colorectal cancer, hereditary nonpolyposis, type 7. Identifiers: Orphanet 144, MedGen C1858380, MONDO:0013725, OMIM 614385.

Allele frequency attached by ClinVar (database versions not stated): gnomAD 0.00001; gnomAD exomes 0.00001; TOPMed 0.00001.

Submissions (4):

Center for Genomic Medicine, Rigshospitalet, Copenhagen University Hospital
Classification: Uncertain significance. Last evaluated: 2025-03-04. Review status: criteria provided, single submitter. Criteria: ACMG Guidelines, 2015. Collection method: clinical testing. Allele origin: germline.

Fulgent Genetics
Classification: Uncertain significance for Colorectal cancer; Endometrial carcinoma; Colorectal cancer, hereditary nonpolyposis, type 7. Last evaluated: 2024-05-05. Review status: criteria provided, single submitter. Criteria: ACMG Guidelines, 2015. Collection method: clinical testing. Allele origin: germline.

Ambry Genetics
Classification: Uncertain significance. Last evaluated: 2024-04-11. Review status: criteria provided, single submitter. Criteria: Ambry Variant Classification Scheme 2023. Collection method: clinical testing. Allele origin: germline.
Comment: The p.M890V variant (also known as c.2668A>G), located in coding exon 1 of the MLH3 gene, results from an A to G substitution at nucleotide position 2668. The methionine at codon 890 is replaced by valine, an amino acid with highly similar properties. This amino acid position is not well conserved in available vertebrate species. In addition, this alteration is predicted to be tolerated by in silico analysis. Since supporting evidence is limited at this time, the clinical significance of this alteration remains unclear.

Labcorp Genetics (formerly Invitae), Labcorp
Classification: Uncertain significance for Colorectal cancer, hereditary nonpolyposis, type 7. Last evaluated: 2022-08-09. Review status: criteria provided, single submitter. Criteria: Invitae Variant Classification Sherloc (09022015). Collection method: clinical testing. Allele origin: germline.
Comment: In summary, the available evidence is currently insufficient to determine the role of this variant in disease. Therefore, it has been classified as a Variant of Uncertain Significance. Algorithms developed to predict the effect of missense changes on protein structure and function output the following: SIFT: "Tolerated"; PolyPhen-2: "Benign"; Align-GVGD: "Class C0". The valine amino acid residue is found in multiple mammalian species, which suggests that this missense change does not adversely affect protein function. ClinVar contains an entry for this variant (Variation ID: 1060486). This variant has not been reported in the literature in individuals affected with MLH3-related conditions. This variant is not present in population databases (gnomAD no frequency). This sequence change replaces methionine, which is neutral and non-polar, with valine, which is neutral and non-polar, at codon 890 of the MLH3 protein (p.Met890Val).

NM_001040108.2(MLH3):c.2668A>G (p.Met890Val)

Gene: MLH3 (mutL homolog 3; minus strand). Cytogenetic location: 14q24.3.
Variant type: single nucleotide variant.
Coding change: c.2668A>G on transcript NM_001040108.2 (MANE Select); coding-DNA position 2668, A replaced by G.
Protein change: p.Met890Val; replaces methionine 890 with valine.
Molecular consequence: missense variant.
Genome position (GRCh38, 1-based): chr14:75,046,988, T>C on the plus strand (A>G on the coding strand, the complement: MLH3 is on the minus strand). VCF-style: chr14-75046988-T-C. GRCh37 (hg19) VCF-style: chr14-75513691-T-C.
Other names: c.2668A>G, p.Met890Val (NM_014381.3); short protein forms M890V.
Identifiers: ClinVar variation 1060486 (VCV001060486.15), dbSNP rs970455680, ClinGen allele CA263648099.
Genomic context (GRCh38, chr14:75,046,988, plus strand): 5'-TGCTGTCTTTCCTACTGGAATCTGAATTTGGAAGTTCATTAAAACGACTCATCATCCCCA[T>C]TGTTTGAGTTTCTCTTTCGGAACCCTTCAGTCTGGATAATTTAGAGGCTAGTGATTCAGA-3'
Protein context (NP_001035197.1, residues 880-900): LKGSERETQT[Met890Val]GMMSRFNELP